The following is an entry in ClinVar:

ClinVar aggregate classification (germline): Uncertain significance (1 of 4 stars; one submission).

Conditions:
Familial thoracic aortic aneurysm and aortic dissection (TAAD). Also called: Thoracic aortic aneurysms and dissections. Identifiers: Orphanet 91387, MedGen C4707243, MONDO:0019625.

Submission:

Ambry Genetics
Classification: Uncertain significance for Familial thoracic aortic aneurysm and aortic dissection. Last evaluated: 2026-06-22. Review status: criteria provided, single submitter. Criteria: Ambry Variant Classification Scheme 2023. Collection method: clinical testing. Allele origin: germline.
Comment: The p.T847P variant (also known as c.2539A>C), located in coding exon 19 of the FBN2 gene, results from an A to C substitution at nucleotide position 2539. The threonine at codon 847 is replaced by proline, an amino acid with highly similar properties. This amino acid position is conserved. In addition, the in silico prediction for this alteration is inconclusive. Based on the available evidence, the clinical significance of this variant remains unclear.

NM_001999.4(FBN2):c.2539A>C (p.Thr847Pro)

Gene: FBN2 (fibrillin 2; minus strand). Cytogenetic location: 5q23.3.
Variant type: single nucleotide variant.
Coding change: c.2539A>C on transcript NM_001999.4 (MANE Select); coding-DNA position 2539, A replaced by C.
Protein change: p.Thr847Pro; replaces threonine 847 with proline.
Molecular consequence: missense variant.
Genome position (GRCh38, 1-based): chr5:128,361,738, T>G on the plus strand (A>C on the coding strand, the complement: FBN2 is on the minus strand). VCF-style: chr5-128361738-T-G. GRCh37 (hg19) VCF-style: chr5-127697431-T-G.
Other names: short protein forms T847P.
Identifiers: ClinVar variation 5021621 (VCV005021621.1).